The following is an entry in ClinVar:

ClinVar aggregate classification (germline): Uncertain significance (1 of 4 stars; one submission).

Conditions:
Charcot-Marie-Tooth disease type 2. Also called: Charcot-Marie-Tooth type 2. Identifiers: Orphanet 64746, MedGen C0270914, MONDO:0018993.

Submission:

Labcorp Genetics (formerly Invitae), Labcorp
Classification: Uncertain significance for Charcot-Marie-Tooth disease type 2. Last evaluated: 2024-06-11. Review status: criteria provided, single submitter. Criteria: Invitae Variant Classification Sherloc (09022015). Collection method: clinical testing. Allele origin: germline.
Comment: This sequence change replaces threonine, which is neutral and polar, with proline, which is neutral and non-polar, at codon 404 of the GARS protein (p.Thr404Pro). This variant is not present in population databases (gnomAD no frequency). This variant has not been reported in the literature in individuals affected with GARS-related conditions. Advanced modeling of protein sequence and biophysical properties (such as structural, functional, and spatial information, amino acid conservation, physicochemical variation, residue mobility, and thermodynamic stability) performed at Invitae indicates that this missense variant is not expected to disrupt GARS protein function with a negative predictive value of 95%. In summary, the available evidence is currently insufficient to determine the role of this variant in disease. Therefore, it has been classified as a Variant of Uncertain Significance.

NM_002047.4(GARS1):c.1210A>C (p.Thr404Pro)

Gene: GARS1 (glycyl-tRNA synthetase 1; plus strand). Cytogenetic location: 7p14.3.
Variant type: single nucleotide variant.
Coding change: c.1210A>C on transcript NM_002047.4 (MANE Select); coding-DNA position 1210, A replaced by C.
Protein change: p.Thr404Pro; replaces threonine 404 with proline.
Molecular consequence: missense variant.
Genome position (GRCh38, 1-based): chr7:30,617,129, A>C. VCF-style: chr7-30617129-A-C. GRCh37 (hg19) VCF-style: chr7-30656745-A-C.
Other names: c.1048A>C, p.Thr350Pro (NM_001316772.1); short protein forms T350P, T404P.
Identifiers: ClinVar variation 3633370 (VCV003633370.2).
Genomic context (GRCh38, chr7:30,617,129, plus strand): 5'-TGTGTTTTCTTTTCTTCCTCCATGCTTGCTTATTGGTTGGTTTAGGGTGTGATTAATAAC[A>C]CAGTATTAGGCTATTTCATTGGCCGCATCTACCTCTACCTCACGAAGGTTGGAATATCTC-3'
Protein context (NP_002038.2, residues 394-414): DAVEQGVINN[Thr404Pro]VLGYFIGRIY